The following is an entry in ClinVar:

NM_002470.4(MYH3):c.2917G>A (p.Glu973Lys)

Gene: MYH3 (myosin heavy chain 3; minus strand). Cytogenetic location: 17p13.1.
Variant type: single nucleotide variant.
Coding change: c.2917G>A on transcript NM_002470.4 (MANE Select); coding-DNA position 2917, G replaced by A.
Protein change: p.Glu973Lys; replaces glutamic acid 973 with lysine.
Molecular consequence: missense variant.
Genome position (GRCh38, 1-based): chr17:10,639,568, C>T on the plus strand (G>A on the coding strand, the complement: MYH3 is on the minus strand). VCF-style: chr17-10639568-C-T. GRCh37 (hg19) VCF-style: chr17-10542885-C-T.
Other names: short protein forms E973K.
Identifiers: ClinVar variation 2087306 (VCV002087306.4), dbSNP rs1005751900, ClinGen allele CA287784633.
Genomic context (GRCh38, chr17:10,639,568, plus strand): 5'-AGTTTAGTTTGCAATGACTATATCAAGCTAGACACACCTACAATAAGAATACCTTGTTCT[C>T]TGTGGCATGCTTCTCCTTCTCAACCTTGGCCAGGGTCAACTCAAGGTCATCAATGTCTTT-3'
Protein context (NP_002461.2, residues 963-983): AKVEKEKHAT[Glu973Lys]NKVKNLTEEL

ClinVar aggregate classification (germline): Uncertain significance (1 of 4 stars; one submission).

Allele frequency attached by ClinVar (database versions not stated): gnomAD exomes below 0.00001.
gnomAD v4.1: 1 of 1,614,142 alleles (0.000062%); highest among the groups gnomAD compares: African/African-American, 0.0013%; no homozygotes.

Submission:

Labcorp Genetics (formerly Invitae), Labcorp
Classification: Uncertain significance. Last evaluated: 2022-01-17. Review status: criteria provided, single submitter. Criteria: Invitae Variant Classification Sherloc (09022015). Collection method: clinical testing. Allele origin: germline.
Comment: This variant has not been reported in the literature in individuals affected with MYH3-related conditions. This sequence change replaces glutamic acid, which is acidic and polar, with lysine, which is basic and polar, at codon 973 of the MYH3 protein (p.Glu973Lys). This variant is not present in population databases (gnomAD no frequency). Algorithms developed to predict the effect of missense changes on protein structure and function are either unavailable or do not agree on the potential impact of this missense change (SIFT: "Deleterious"; PolyPhen-2: "Benign"; Align-GVGD: "Class C55"). In summary, the available evidence is currently insufficient to determine the role of this variant in disease. Therefore, it has been classified as a Variant of Uncertain Significance.